The following is an entry in ClinVar:

NM_001365088.1(SLC12A6):c.1847A>G (p.Asn616Ser)

Gene: SLC12A6 (solute carrier family 12 member 6; minus strand). Cytogenetic location: 15q14.
Variant type: single nucleotide variant.
Coding change: c.1847A>G on transcript NM_001365088.1 (MANE Select); coding-DNA position 1847, A replaced by G.
Protein change: p.Asn616Ser; replaces asparagine 616 with serine.
Molecular consequence: missense variant.
Genome position (GRCh38, 1-based): chr15:34,245,381, T>C on the plus strand (A>G on the coding strand, the complement: SLC12A6 is on the minus strand). VCF-style: chr15-34245381-T-C. GRCh37 (hg19) VCF-style: chr15-34537582-T-C.
Other names: c.1670A>G, p.Asn557Ser (NM_001042494.2, NM_001042495.2); c.1820A>G, p.Asn607Ser (NM_001042496.2); c.1802A>G, p.Asn601Ser (NM_001042497.2); c.1694A>G, p.Asn565Ser (NM_005135.2); c.1847A>G, p.Asn616Ser (NM_133647.2); short protein forms N557S, N565S, N601S, N607S, N616S.
Identifiers: ClinVar variation 991872 (VCV000991872.6), dbSNP rs201468351, ClinGen allele CA7464203.

ClinVar aggregate classification (germline): Uncertain significance. Review status: criteria provided, multiple submitters, no conflicts (2 of 4 stars). 3 submissions from 3 submitters: Uncertain significance (2). 1 of the submissions does not count toward it. Last evaluated 2024-12-30.

Conditions:
Agenesis of the corpus callosum with peripheral neuropathy (ACCPN). Also called: Hereditary Motor and Sensory Neuropathy with Agenesis of the Corpus Callosum; POLYNEUROPATHY, SENSORIMOTOR, WITH OR WITHOUT AGENESIS OF THE CORPUS CALLOSUM; HMSN/ACC; CHARLEVOIX DISEASE. Identifiers: Orphanet 1496, MedGen C0795950, MONDO:0000902, OMIM 218000. Disease mechanism: loss of function.

Allele frequency attached by ClinVar (database versions not stated): gnomAD exomes below 0.00001; TOPMed below 0.00001; ExAC 0.00001.
gnomAD v4.1: 3 of 1,611,770 alleles (0.00019%); highest among the groups gnomAD compares: Middle Eastern, 0.016%; no homozygotes.

Submissions (3):

Labcorp Genetics (formerly Invitae), Labcorp
Classification: Uncertain significance. Last evaluated: 2024-12-30. Review status: criteria provided, single submitter. Criteria: Invitae Variant Classification Sherloc (09022015). Collection method: clinical testing. Allele origin: germline.
Comment: This sequence change replaces asparagine, which is neutral and polar, with serine, which is neutral and polar, at codon 616 of the SLC12A6 protein (p.Asn616Ser). This variant is present in population databases (rs201468351, gnomAD 0.007%). This variant has not been reported in the literature in individuals affected with SLC12A6-related conditions. ClinVar contains an entry for this variant (Variation ID: 991872). Invitae Evidence Modeling of protein sequence and biophysical properties (such as structural, functional, and spatial information, amino acid conservation, physicochemical variation, residue mobility, and thermodynamic stability) indicates that this missense variant is not expected to disrupt SLC12A6 protein function with a negative predictive value of 80%. In summary, the available evidence is currently insufficient to determine the role of this variant in disease. Therefore, it has been classified as a Variant of Uncertain Significance.

Fulgent Genetics
Classification: Uncertain significance for Agenesis of the corpus callosum with peripheral neuropathy. Last evaluated: 2021-09-20. Review status: criteria provided, single submitter. Criteria: ACMG Guidelines, 2015. Collection method: clinical testing. Allele origin: unknown.

Natera, Inc.
Classification: Uncertain significance for Andermann syndrome. Last evaluated: 2020-04-18. Review status: no assertion criteria provided. Collection method: clinical testing. Allele origin: germline. Not counted in ClinVar's aggregate classification.